The following is an entry in ClinVar:

NM_000531.6(OTC):c.211G>A (p.Gly71Arg)

Gene: OTC (ornithine transcarbamylase; plus strand). Cytogenetic location: Xp11.4.
Variant type: single nucleotide variant.
Coding change: c.211G>A on transcript NM_000531.6 (MANE Select); coding-DNA position 211, G replaced by A.
Protein change: p.Gly71Arg; replaces glycine 71 with arginine.
Molecular consequence: missense variant.
Genome position (GRCh38, 1-based): chrX:38,367,424, G>A. VCF-style: chrX-38367424-G-A. GRCh37 (hg19) VCF-style: chrX-38226677-G-A.
Other names: c.211G>A, p.Gly71Arg (NM_001407092.1); short protein forms G71R.
Identifiers: ClinVar variation 5016926 (VCV005016926.1).

ClinVar aggregate classification (germline): Uncertain significance (1 of 4 stars; one submission).

Submission:

GeneDx
Classification: Uncertain significance. Last evaluated: 2026-04-06. Review status: criteria provided, single submitter. Criteria: GeneDx Variant Classification Process June 2021. Collection method: clinical testing. Allele origin: germline.
Comment: Published functional studies support this variant retains residual OTC activity (PMID: 37146589); In silico analysis suggests that this missense variant does not alter protein structure/function; Not observed at significant frequency in large population cohorts (gnomAD); This variant is associated with the following publications: (PMID: 37146589)